The following is an entry in ClinVar:

NM_018896.5(CACNA1G):c.2296G>A (p.Glu766Lys)

Gene: CACNA1G (calcium voltage-gated channel subunit alpha1 G; plus strand). Cytogenetic location: 17q21.33.
Variant type: single nucleotide variant.
Coding change: c.2296G>A on transcript NM_018896.5 (MANE Select); coding-DNA position 2296, G replaced by A.
Protein change: p.Glu766Lys; replaces glutamic acid 766 with lysine.
Molecular consequence: missense variant. On other transcripts: non-coding transcript variant (5).
Genome position (GRCh38, 1-based): chr17:50,578,559, G>A. VCF-style: chr17-50578559-G-A. GRCh37 (hg19) VCF-style: chr17-48655920-G-A.
Other names: c.2296G>A, p.Glu766Lys (NM_001256324.2, NM_001256325.2, NM_001256326.2 and 24 more transcripts); short protein forms E766K.
Identifiers: ClinVar variation 2578792 (VCV002578792.26), dbSNP rs1217933918, ClinGen allele CA400243565.

ClinVar aggregate classification (germline): Uncertain significance. Review status: criteria provided, multiple submitters, no conflicts (2 of 4 stars). 2 submissions from 2 submitters: Uncertain significance (2). Last evaluated 2023-08-01.

Allele frequency attached by ClinVar (database versions not stated): TOPMed below 0.00001.

Submissions (2):

CeGaT Center for Human Genetics Tuebingen
Classification: Uncertain significance. Last evaluated: 2023-08-01. Review status: criteria provided, single submitter. Criteria: CeGaT Center For Human Genetics Tuebingen Variant Classification Criteria Version 2. Collection method: clinical testing. Allele origin: germline. Affected: yes. Observed: 1 variant allele.
Comment: CACNA1G: PM2, PP2

Blueprint Genetics
Classification: Uncertain significance. Last evaluated: 2020-06-09. Review status: criteria provided, single submitter. Criteria: ACMG Guidelines, 2015. Collection method: clinical testing. Allele origin: germline.